The following is an entry in ClinVar:

NM_005726.6(TSFM):c.791C>T (p.Ala264Val)

Gene: TSFM (Ts translation elongation factor, mitochondrial; plus strand). Cytogenetic location: 12q14.1.
Variant type: single nucleotide variant.
Coding change: c.791C>T on transcript NM_005726.6 (MANE Select); coding-DNA position 791, C replaced by T.
Protein change: p.Ala264Val; replaces alanine 264 with valine.
Molecular consequence: missense variant. On other transcripts: 3 prime UTR variant (1), intron variant (1).
Genome position (GRCh38, 1-based): chr12:57,796,396, C>T. VCF-style: chr12-57796396-C-T. GRCh37 (hg19) VCF-style: chr12-58190179-C-T.
Other names: c.*199C>T (NM_001172695.2); c.854C>T, p.Ala285Val (NM_001172696.2); c.571+3323C>T (NM_001172697.2); short protein forms A264V, A285V.
Identifiers: ClinVar variation 1985551 (VCV001985551.1), dbSNP rs754224859, ClinGen allele CA6659447.

ClinVar aggregate classification (germline): Uncertain significance (1 of 4 stars; one submission).

Allele frequency attached by ClinVar (database versions not stated): ExAC 0.00001; gnomAD 0.00001; TOPMed 0.00001.
gnomAD v4.1: 4 of 1,601,706 alleles (0.00025%); highest among the groups gnomAD compares: Non-Finnish European, 0.00034%; no homozygotes.

Submission:

Labcorp Genetics (formerly Invitae), Labcorp
Classification: Uncertain significance. Last evaluated: 2022-07-14. Review status: criteria provided, single submitter. Criteria: Invitae Variant Classification Sherloc (09022015). Collection method: clinical testing. Allele origin: germline.
Comment: This sequence change replaces alanine, which is neutral and non-polar, with valine, which is neutral and non-polar, at codon 285 of the TSFM protein (p.Ala285Val). This variant is not present in population databases (gnomAD no frequency). This variant has not been reported in the literature in individuals affected with TSFM-related conditions. Algorithms developed to predict the effect of missense changes on protein structure and function are either unavailable or do not agree on the potential impact of this missense change (SIFT: "Tolerated"; PolyPhen-2: "Possibly Damaging"; Align-GVGD: "Class C0"). In summary, the available evidence is currently insufficient to determine the role of this variant in disease. Therefore, it has been classified as a Variant of Uncertain Significance.